The following is an entry in ClinVar:

ClinVar aggregate classification (germline): Uncertain significance (1 of 4 stars; one submission).

Conditions:
Idiopathic generalized epilepsy. Also called: Generalised epilepsy; EIG. Identifiers: MedGen C0270850, MONDO:0005579, OMIM 600669.
Epilepsy, idiopathic generalized, susceptibility to, 13. Also called: EPILEPSY, JUVENILE MYOCLONIC, SUSCEPTIBILITY TO, 5. Identifiers: Orphanet 307, Orphanet 64280, MedGen C4013473, MONDO:0012627, OMIM 611136.
Epilepsy, childhood absence 4 (ECA4). Also called: EPILEPSY, CHILDHOOD ABSENCE, SUSCEPTIBILITY TO, 4. Identifiers: Orphanet 307, MedGen C1970160.

Submission:

Labcorp Genetics (formerly Invitae), Labcorp
Classification: Uncertain significance for Epilepsy, childhood absence 4; Epilepsy, idiopathic generalized, susceptibility to, 13; Idiopathic generalized epilepsy. Last evaluated: 2024-03-27. Review status: criteria provided, single submitter. Criteria: Invitae Variant Classification Sherloc (09022015). Collection method: clinical testing. Allele origin: germline.
Comment: This sequence change replaces methionine, which is neutral and non-polar, with valine, which is neutral and non-polar, at codon 139 of the GABRA1 protein (p.Met139Val). This variant is present in population databases (no rsID available, gnomAD 0.003%). This variant has not been reported in the literature in individuals affected with GABRA1-related conditions. Advanced modeling of protein sequence and biophysical properties (such as structural, functional, and spatial information, amino acid conservation, physicochemical variation, residue mobility, and thermodynamic stability) has been performed at Invitae for this missense variant, however the output from this modeling did not meet the statistical confidence thresholds required to predict the impact of this variant on GABRA1 protein function. In summary, the available evidence is currently insufficient to determine the role of this variant in disease. Therefore, it has been classified as a Variant of Uncertain Significance.

NM_001127644.2(GABRA1):c.415A>G (p.Met139Val)

Gene: GABRA1 (gamma-aminobutyric acid type A receptor subunit alpha1; plus strand). Cytogenetic location: 5q34.
Variant type: single nucleotide variant.
Coding change: c.415A>G on transcript NM_001127644.2 (MANE Select); coding-DNA position 415, A replaced by G.
Protein change: p.Met139Val; replaces methionine 139 with valine.
Molecular consequence: missense variant.
Genome position (GRCh38, 1-based): chr5:161,873,276, A>G. VCF-style: chr5-161873276-A-G. GRCh37 (hg19) VCF-style: chr5-161300282-A-G.
Other names: c.415A>G, p.Met139Val (NM_000806.5, NM_001127643.2, NM_001127645.2 and 1 more transcripts); short protein forms M139V.
Identifiers: ClinVar variation 3748305 (VCV003748305.2).
Genomic context (GRCh38, chr5:161,873,276, plus strand): 5'-AGTAAAATCTGGACTCCGGACACATTTTTCCACAATGGAAAGAAGTCAGTGGCCCACAAC[A>G]TGACCATGCCCAACAAACTCCTGCGGATCACAGAGGATGGCACCTTGCTGTACACCATGA-3'
Protein context (NP_001121116.1, residues 129-149): HNGKKSVAHN[Met139Val]TMPNKLLRIT